The following is an entry in ClinVar:

ClinVar aggregate classification (germline): Uncertain significance (1 of 4 stars; one submission).

Submission:

GeneDx
Classification: Uncertain significance. Last evaluated: 2023-07-03. Review status: criteria provided, single submitter. Criteria: GeneDx Variant Classification Process June 2021. Collection method: clinical testing. Allele origin: germline. Affected: yes.
Comment: Not observed at significant frequency in large population cohorts (gnomAD); In silico analysis supports that this missense variant has a deleterious effect on protein structure/function; Has not been previously published as pathogenic or benign to our knowledge

NM_001349798.2(FBXW7):c.779G>T (p.Cys260Phe)

Genes: FBXW7 (F-box and WD repeat domain containing 7; minus strand), FBXW7-AS1 (FBXW7 antisense RNA 1; plus strand). Cytogenetic location: 4q31.3.
Variant type: single nucleotide variant.
Coding change: c.779G>T on transcript NM_001349798.2 (MANE Select); coding-DNA position 779, G replaced by T.
Protein change: p.Cys260Phe; replaces cysteine 260 with phenylalanine.
Molecular consequence: missense variant. On other transcripts: non-coding transcript variant (1).
Genome position (GRCh38, 1-based): chr4:152,337,884, C>A on the plus strand (G>T on the coding strand, the complement: FBXW7 is on the minus strand). VCF-style: chr4-152337884-C-A. GRCh37 (hg19) VCF-style: chr4-153259036-C-A.
Other names: c.425G>T, p.Cys142Phe (NM_001013415.2); c.539G>T, p.Cys180Phe (NM_018315.5); c.779G>T, p.Cys260Phe (NM_033632.3); short protein forms C142F, C180F, C260F.
Identifiers: ClinVar variation 3360776 (VCV003360776.1).